The following is an entry in ClinVar:

NM_002439.5(MSH3):c.1691del (p.Val563_Leu564insTer)

Gene: MSH3 (mutS homolog 3; plus strand). Cytogenetic location: 5q14.1.
Variant type: Deletion.
Coding change: c.1691del on transcript NM_002439.5 (MANE Select); coding-DNA position 1691, one base deleted (T; older notation c.1691delT).
Protein change: p.Val563_Leu564insTer.
Molecular consequence: nonsense.
Genome position (GRCh38, 1-based): chr5:80,744,543, T deleted; the last of 4 consecutive T bases (chr5:80,744,540-80,744,543); deleting any one gives the same sequence. VCF-style (leftmost placement, unchanged base first): chr5-80744539-GT-G. GRCh37 (hg19) VCF-style: chr5-80040358-GT-G.
Identifiers: ClinVar variation 1457023 (VCV001457023.6), dbSNP rs2112868879, ClinGen allele CA2573139874.

ClinVar aggregate classification (germline): Pathogenic (1 of 4 stars; one submission).

Submission:

Labcorp Genetics (formerly Invitae), Labcorp
Classification: Pathogenic. Last evaluated: 2022-04-22. Review status: criteria provided, single submitter. Criteria: Invitae Variant Classification Sherloc (09022015). Collection method: clinical testing. Allele origin: germline.
Comment: For these reasons, this variant has been classified as Pathogenic. This variant has not been reported in the literature in individuals affected with MSH3-related conditions. This variant is not present in population databases (gnomAD no frequency). This sequence change creates a premature translational stop signal (p.Leu564*) in the MSH3 gene. It is expected to result in an absent or disrupted protein product. Loss-of-function variants in MSH3 are known to be pathogenic (PMID: 27476653).

Literature cited by the submitters: PubMed 27476653.